The following is an entry in ClinVar:

NM_017662.5(TRPM6):c.1576C>A (p.Arg526Ser)

Gene: TRPM6 (transient receptor potential cation channel subfamily M member 6; minus strand). Cytogenetic location: 9q21.13.
Variant type: single nucleotide variant.
Coding change: c.1576C>A on transcript NM_017662.5 (MANE Select); coding-DNA position 1576, C replaced by A.
Protein change: p.Arg526Ser; replaces arginine 526 with serine.
Molecular consequence: missense variant.
Genome position (GRCh38, 1-based): chr9:74,808,096, G>T on the plus strand (C>A on the coding strand, the complement: TRPM6 is on the minus strand). VCF-style: chr9-74808096-G-T. GRCh37 (hg19) VCF-style: chr9-77423012-G-T.
Other names: c.1561C>A, p.Arg521Ser (NM_001177310.2, NM_001177311.2); short protein forms R526S, R521S.
Identifiers: ClinVar variation 1484034 (VCV001484034.6), dbSNP rs769493707, ClinGen allele CA373690500.

ClinVar aggregate classification (germline): Uncertain significance (1 of 4 stars; one submission).

Submission:

Labcorp Genetics (formerly Invitae), Labcorp
Classification: Uncertain significance. Last evaluated: 2025-12-08. Review status: criteria provided, single submitter. Criteria: Invitae Variant Classification Sherloc (09022015). Collection method: clinical testing. Allele origin: germline.
Comment: This sequence change replaces arginine, which is basic and polar, with serine, which is neutral and polar, at codon 526 of the TRPM6 protein (p.Arg526Ser). This variant is not present in population databases (gnomAD no frequency). This variant has not been reported in the literature in individuals affected with TRPM6-related conditions. ClinVar contains an entry for this variant (Variation ID: 1484034). Invitae Evidence Modeling of protein sequence and biophysical properties (such as structural, functional, and spatial information, amino acid conservation, physicochemical variation, residue mobility, and thermodynamic stability) indicates that this missense variant is not expected to disrupt TRPM6 protein function with a negative predictive value of 80%. In summary, the available evidence is currently insufficient to determine the role of this variant in disease. Therefore, it has been classified as a Variant of Uncertain Significance.